The following is an entry in ClinVar:

NM_006118.4(HAX1):c.155A>G (p.His52Arg)

Gene: HAX1 (HCLS1 associated protein X-1; plus strand). Cytogenetic location: 1q21.3.
Variant type: single nucleotide variant.
Coding change: c.155A>G on transcript NM_006118.4 (MANE Select); coding-DNA position 155, A replaced by G.
Protein change: p.His52Arg; replaces histidine 52 with arginine.
Molecular consequence: missense variant. On other transcripts: intron variant (1).
Genome position (GRCh38, 1-based): chr1:154,273,437, A>G. VCF-style: chr1-154273437-A-G. GRCh37 (hg19) VCF-style: chr1-154245913-A-G.
Other names: c.54-43A>G (NM_001018837.2); short protein forms H52R.
Identifiers: ClinVar variation 3856863 (VCV003856863.1).

ClinVar aggregate classification (germline): Uncertain significance (1 of 4 stars; one submission).

Conditions:
Inborn genetic diseases. Identifiers: MedGen C0950123, MeSH D030342.

gnomAD v4.1: 2 of 1,614,212 alleles (0.00012%); highest among the groups gnomAD compares: Non-Finnish European, 0.00017%; no homozygotes.

Submission:

Ambry Genetics
Classification: Uncertain significance for Inborn genetic diseases. Last evaluated: 2024-12-29. Review status: criteria provided, single submitter. Criteria: Ambry Variant Classification Scheme 2023. Collection method: clinical testing. Allele origin: germline.
Comment: The p.H52R variant (also known as c.155A>G), located in coding exon 2 of the HAX1 gene, results from an A to G substitution at nucleotide position 155. The histidine at codon 52 is replaced by arginine, an amino acid with highly similar properties. This amino acid position is conserved. In addition, this alteration is predicted to be tolerated by in silico analysis. Based on the available evidence, the clinical significance of this variant remains unclear.